The following is an entry in ClinVar:

ClinVar aggregate classification (germline): Uncertain significance (1 of 4 stars; one submission).

Conditions:
Hepatic methionine adenosyltransferase deficiency. Also called: Methionine adenosyltransferase deficiency; MAT I/III DEFICIENCY; Deficiency of methionine adenosyltransferase; Isolated Persistent Hypermethioninemia. Identifiers: Orphanet 168598, MedGen C0268621, MeSH C564683, MONDO:0009607, OMIM 250850.

Submission:

Labcorp Genetics (formerly Invitae), Labcorp
Classification: Uncertain significance for Hepatic methionine adenosyltransferase deficiency. Last evaluated: 2022-08-02. Review status: criteria provided, single submitter. Criteria: Invitae Variant Classification Sherloc (09022015). Collection method: clinical testing. Allele origin: germline.
Comment: In summary, the available evidence is currently insufficient to determine the role of this variant in disease. Therefore, it has been classified as a Variant of Uncertain Significance. Algorithms developed to predict the effect of missense changes on protein structure and function (SIFT, PolyPhen-2, Align-GVGD) all suggest that this variant is likely to be disruptive. This variant has not been reported in the literature in individuals affected with MAT1A-related conditions. This variant is not present in population databases (gnomAD no frequency). This sequence change replaces serine, which is neutral and polar, with phenylalanine, which is neutral and non-polar, at codon 114 of the MAT1A protein (p.Ser114Phe).

NM_000429.3(MAT1A):c.341C>T (p.Ser114Phe)

Gene: MAT1A (methionine adenosyltransferase 1A; minus strand). Cytogenetic location: 10q22.3.
Variant type: single nucleotide variant.
Coding change: c.341C>T on transcript NM_000429.3 (MANE Select); coding-DNA position 341, C replaced by T.
Protein change: p.Ser114Phe; replaces serine 114 with phenylalanine.
Molecular consequence: missense variant.
Genome position (GRCh38, 1-based): chr10:80,280,744, G>A on the plus strand (C>T on the coding strand, the complement: MAT1A is on the minus strand). VCF-style: chr10-80280744-G-A. GRCh37 (hg19) VCF-style: chr10-82040500-G-A.
Other names: short protein forms S114F.
Identifiers: ClinVar variation 2013736 (VCV002013736.4), dbSNP rs2132706241, ClinGen allele CA377363053.